The following is an entry in ClinVar:

NM_024675.4(PALB2):c.1214C>G (p.Pro405Arg)

Gene: PALB2 (partner and localizer of BRCA2; minus strand). Cytogenetic location: 16p12.2.
Variant type: single nucleotide variant.
Coding change: c.1214C>G on transcript NM_024675.4 (MANE Select); coding-DNA position 1214, C replaced by G.
Protein change: p.Pro405Arg; replaces proline 405 with arginine.
Molecular consequence: missense variant.
Genome position (GRCh38, 1-based): chr16:23,635,332, G>C on the plus strand (C>G on the coding strand, the complement: PALB2 is on the minus strand). VCF-style: chr16-23635332-G-C. GRCh37 (hg19) VCF-style: chr16-23646653-G-C.
Other names: short protein forms P405R.
Identifiers: ClinVar variation 482028 (VCV000482028.6), dbSNP rs1555461396, ClinGen allele CA395133155.

ClinVar aggregate classification (germline): Uncertain significance. Review status: criteria provided, single submitter (1 of 4 stars). 2 submissions from 2 submitters: Uncertain significance (1). 1 of the submissions does not count toward it. Last evaluated 2016-05-10.

Conditions:
Hereditary cancer-predisposing syndrome. Also called: Neoplastic Syndromes, Hereditary; Tumor predisposition; Hereditary Cancer Syndrome; Hereditary neoplastic syndrome. Identifiers: Orphanet 140162, MedGen C0027672, MeSH D009386, MONDO:0015356.

Submissions (2):

Ambry Genetics
Classification: Uncertain significance for Hereditary cancer-predisposing syndrome. Last evaluated: 2016-05-10. Review status: criteria provided, single submitter. Criteria: Ambry Variant Classification Scheme 2023. Collection method: clinical testing. Allele origin: germline.
Comment: The p.P405R variant (also known as c.1214C>G), located in coding exon 4 of the PALB2 gene, results from a C to G substitution at nucleotide position 1214. The proline at codon 405 is replaced by arginine, an amino acid with dissimilar properties. This variant was not reported in population based cohorts in the following databases: Database of Single Nucleotide Polymorphisms (dbSNP), NHLBI Exome Sequencing Project (ESP), and 1000 Genomes Project. In the ESP, this variant was not observed in 6497 samples (12994 alleles) with coverage at this position. To date, this alteration has been detected with an allele frequency of approximately 0.001% (greater than 225000 alleles tested) in our clinical cohort. This amino acid position is highly conserved in available vertebrate species. In addition, this alteration is predicted to be deleterious by in silico analysis. Since supporting evidence is limited at this time, the clinical significance of this alteration remains unclear.

Leiden Open Variation Database
Classification: Uncertain significance. Last evaluated: 2018-08-25. Review status: no assertion criteria provided. Collection method: curation. Allele origin: germline. Affected: yes. Not counted in ClinVar's aggregate classification.
Comment: Curators: Marc Tischkowitz, Arleen D. Auerbach. Submitter to LOVD: Yukihide Momozawa.

Literature cited by the submitters: PubMed 30287823 (cited by Leiden Open Variation Database).